The following is an entry in ClinVar:

ClinVar aggregate classification (germline): Conflicting classifications of pathogenicity. Review status: criteria provided, conflicting classifications (1 of 4 stars). 3 submissions from 3 submitters: Uncertain significance (1); Benign (1); Likely benign (1). Last evaluated 2026-01-12.

Conditions:
Kleefstra syndrome 1 (KLEFS1). Identifiers: Orphanet 261494, MedGen C0795833, MONDO:0027407, OMIM 610253.

Allele frequency attached by ClinVar (database versions not stated): TOPMed 0.00005; 1000 Genomes Project 30x 0.00031; 1000 Genomes Project 0.00040.
gnomAD v4.1: 144 of 1,612,916 alleles (0.0089%); highest among the groups gnomAD compares: South Asian, 0.14%; 2 homozygotes.

Submissions (3):

Labcorp Genetics (formerly Invitae), Labcorp
Classification: Benign for Kleefstra syndrome 1. Last evaluated: 2026-01-12. Review status: criteria provided, single submitter. Criteria: Invitae Variant Classification Sherloc (09022015). Collection method: clinical testing. Allele origin: germline.

CeGaT Center for Human Genetics Tuebingen
Classification: Likely benign. Last evaluated: 2024-06-01. Review status: criteria provided, single submitter. Criteria: CeGaT Center For Human Genetics Tuebingen Variant Classification Criteria Version 2. Collection method: clinical testing. Allele origin: germline. Affected: yes. Observed: 2 variant alleles.
Comment: EHMT1: BP4, BP7, BS1

Eurofins Ntd Llc (ga)
Classification: Uncertain significance. Last evaluated: 2017-06-07. Review status: criteria provided, single submitter. Criteria: EGL Classification Definitions 2015. Collection method: clinical testing. Allele origin: germline. Observed: 1 variant allele, 1 heterozygote.

NM_024757.5(EHMT1):c.390G>A (p.Pro130=)

Gene: EHMT1 (euchromatic histone lysine methyltransferase 1; plus strand). Cytogenetic location: 9q34.3.
Variant type: single nucleotide variant.
Coding change: c.390G>A on transcript NM_024757.5 (MANE Select); coding-DNA position 390, G replaced by A.
Protein change: p.Pro130=; no amino-acid change (proline 130 retained).
Molecular consequence: synonymous variant.
Genome position (GRCh38, 1-based): chr9:137,716,930, G>A. VCF-style: chr9-137716930-G-A. GRCh37 (hg19) VCF-style: chr9-140611382-G-A.
Other names: c.390G>A, p.Pro130= (NM_001145527.2, NM_001354263.2, NM_001354611.2); c.297G>A, p.Pro99= (NM_001354259.2, NM_001354612.2).
Identifiers: ClinVar variation 502316 (VCV000502316.37), dbSNP rs144323841, ClinGen allele CA5374293.